The following is an entry in ClinVar:

ClinVar aggregate classification (germline): Uncertain significance (1 of 4 stars; one submission).

Submission:

GeneDx
Classification: Uncertain significance. Last evaluated: 2026-01-31. Review status: criteria provided, single submitter. Criteria: GeneDx Variant Classification Process June 2021. Collection method: clinical testing. Allele origin: germline.
Comment: Not observed at significant frequency in large population cohorts (gnomAD); In silico analysis supports a deleterious effect on splicing; In silico analysis suggests that this missense variant does not alter protein structure/function; Has not been previously published as pathogenic or benign to our knowledge

NM_003239.5(TGFB3):c.354C>A (p.Asn118Lys)

Gene: TGFB3 (transforming growth factor beta 3; minus strand). Cytogenetic location: 14q24.3.
Variant type: single nucleotide variant.
Coding change: c.354C>A on transcript NM_003239.5 (MANE Select); coding-DNA position 354, C replaced by A.
Protein change: p.Asn118Lys; replaces asparagine 118 with lysine.
Molecular consequence: missense variant.
Genome position (GRCh38, 1-based): chr14:75,971,717, G>T on the plus strand (C>A on the coding strand, the complement: TGFB3 is on the minus strand). VCF-style: chr14-75971717-G-T. GRCh37 (hg19) VCF-style: chr14-76438060-G-T.
Other names: c.354C>A, p.Asn118Lys (NM_001329938.2, NM_001329939.2); short protein forms N118K.
Identifiers: ClinVar variation 3731110 (VCV003731110.2).